The following is an entry in ClinVar:

NM_000051.4(ATM):c.8810_8813dup (p.Met2938fs)

Genes: ATM (ATM serine/threonine kinase; plus strand), C11orf65 (chromosome 11 open reading frame 65; minus strand). Cytogenetic location: 11q22.3.
Variant type: Duplication.
Coding change: c.8810_8813dup on transcript NM_000051.4 (MANE Select); coding-DNA positions 8810 to 8813, 4 bases duplicated (TGAT; older notation c.8810_8813dupTGAT).
Protein change: p.Met2938fs; shifts the reading frame from methionine 2938.
Molecular consequence: frameshift variant. On other transcripts: intron variant (2).
Genome position (GRCh38, 1-based): chr11:108,354,834-108,354,837, TGAT duplicated. VCF-style (leftmost placement, unchanged base first): chr11-108354833-G-GTGAT. GRCh37 (hg19) VCF-style: chr11-108225560-G-GTGAT.
Other names: c.8810_8813dup, p.Met2938fs (NM_001351834.2); c.640+31083_640+31086dup (NM_001330368.2); c.695-19545_695-19542dup (NM_001351110.2); short protein forms M2938fs.
Identifiers: ClinVar variation 1386621 (VCV001386621.8), dbSNP rs2137348962, ClinGen allele CA2573146598.
Genomic context (GRCh38, chr11:108,354,833, plus strand): 5'-TGTAACAAAATCCGTATTTATAATGTGTTTGACTCTAGATGCTGTGAGAAAACCATGGAA[G>GTGAT]TGATGAGAAACTCTCAGGAAACTCTGTTAACCATTGTAGAGGTAAAGTATTTTATAAGGA-3'

ClinVar aggregate classification (germline): Pathogenic (1 of 4 stars; one submission).

Conditions:
Ataxia-telangiectasia syndrome (AT). Also called: Ataxia-telangiectasia; LOUIS-BAR SYNDROME; Ataxia-telangiectasia, complementation group D; AT, COMPLEMENTATION GROUP C; ATAXIA-TELANGIECTASIA, COMPLEMENTATION GROUP A; ATAXIA-TELANGIECTASIA, FRESNO VARIANT. Identifiers: Orphanet 100, MedGen C0004135, MONDO:0008840, OMIM 208900.

Submission:

Labcorp Genetics (formerly Invitae), Labcorp
Classification: Pathogenic for Ataxia-telangiectasia syndrome. Last evaluated: 2021-07-03. Review status: criteria provided, single submitter. Criteria: Invitae Variant Classification Sherloc (09022015). Collection method: clinical testing. Allele origin: germline.
Comment: This variant has not been reported in the literature in individuals affected with ATM-related conditions. For these reasons, this variant has been classified as Pathogenic. This variant is not present in population databases (ExAC no frequency). This sequence change creates a premature translational stop signal (p.Met2938Ilefs*19) in the ATM gene. It is expected to result in an absent or disrupted protein product. Loss-of-function variants in ATM are known to be pathogenic (PMID: 23807571, 25614872).

Literature cited by the submitters: PubMed 23807571; PubMed 25614872.